The following is an entry in ClinVar:

NM_001017420.3(ESCO2):c.307_311del (p.Lys103fs)

Gene: ESCO2 (establishment of sister chromatid cohesion N-acetyltransferase 2; plus strand). Cytogenetic location: 8p21.1.
Variant type: Deletion.
Coding change: c.307_311del on transcript NM_001017420.3 (MANE Select); coding-DNA positions 307 to 311, 5 bases deleted (AAAGA; older notation c.307_311delAAAGA).
Protein change: p.Lys103fs; shifts the reading frame from lysine 103.
Molecular consequence: frameshift variant.
Genome position (GRCh38, 1-based): chr8:27,776,615-27,776,619, AAAGA deleted; deleting any 5 consecutive bases within chr8:27,776,614-27,776,619 gives the same sequence; the c. name uses the placement nearest the transcript's 3' end. VCF-style (leftmost placement, unchanged base first): chr8-27776613-TAAAAG-T. GRCh37 (hg19) VCF-style: chr8-27634130-TAAAAG-T.
Other names: c.307_311del5 (NM_001017420.2); c.307_311del (NM_001017420.2); short protein forms K103fs.
Identifiers: ClinVar variation 21243 (VCV000021243.14), dbSNP rs80359846, ClinGen allele CA341789.

ClinVar aggregate classification (germline): Pathogenic. Review status: criteria provided, multiple submitters, no conflicts (2 of 4 stars). 5 submissions from 5 submitters: Pathogenic (4). 1 of the submissions does not count toward it. Last evaluated 2025-10-02.

Conditions:
ESCO2-related disorder. Also called: ESCO2-related condition.
Roberts-SC phocomelia syndrome (RBS). Also called: Hypomelia hypotrichosis facial hemangioma syndrome; LONG BONE DEFICIENCIES ASSOCIATED WITH CLEFT LIP-PALATE; Pseudothalidomide syndrome; Appelt-Gerken-Lenz syndrome; ESCO2 Spectrum Disorder. Identifiers: Orphanet 3103, MedGen C0392475, MONDO:0100253, OMIM 268300.
Juberg-Hayward syndrome (JHS). Also called: OROCRANIODIGITAL SYNDROME; Cleft lip/palate with abnormal thumbs and microcephaly. Identifiers: Orphanet 2319, MedGen C0796099, MONDO:0008992, OMIM 216100.

Submissions (5):

Natera, Inc.
Classification: Pathogenic for Roberts syndrome. Last evaluated: 2025-10-02. Review status: criteria provided, single submitter. Criteria: Natera Variant Classification Schema (03/2026). Collection method: clinical testing. Allele origin: germline.
Comment: The c.307_311delAAAGA variant in ESCO2 is a frameshift variant predicted to shift the reading frame beginning at codon 103 and leads to a stop codon 2 codons downstream. This variant is expected to result in nonsense mediated decay, truncation, or a dysfunctional protein product. This variant is rare in the general population with a frequency below the threshold expected for the associated phenotype(s). This variant has been observed in one or more individuals affected with the associated recessive disease, as either homozygous or compound heterozygous with a second variant (PMID: 16380922). Given the available evidence, this variant is classified as Pathogenic.

Fulgent Genetics
Classification: Pathogenic for Juberg-Hayward syndrome; Roberts-SC phocomelia syndrome. Last evaluated: 2024-05-17. Review status: criteria provided, single submitter. Criteria: ACMG Guidelines, 2015. Collection method: clinical testing. Allele origin: germline.

Labcorp Genetics (formerly Invitae), Labcorp
Classification: Pathogenic. Last evaluated: 2024-02-03. Review status: criteria provided, single submitter. Criteria: Invitae Variant Classification Sherloc (09022015). Collection method: clinical testing. Allele origin: germline.
Comment: This sequence change creates a premature translational stop signal (p.Lys103Glufs*2) in the ESCO2 gene. It is expected to result in an absent or disrupted protein product. Loss-of-function variants in ESCO2 are known to be pathogenic (PMID: 15821733, 16380922). This variant is not present in population databases (gnomAD no frequency). This premature translational stop signal has been observed in individual(s) with Roberts syndrome (PMID: 16380922, 18411254). It has also been observed to segregate with disease in related individuals. ClinVar contains an entry for this variant (Variation ID: 21243). Algorithms developed to predict the effect of sequence changes on RNA splicing suggest that this variant may create or strengthen a splice site. For these reasons, this variant has been classified as Pathogenic.

PreventionGenetics, part of Exact Sciences
Classification: Pathogenic for ESCO2-related condition. Last evaluated: 2023-06-14. Review status: criteria provided, single submitter. Criteria: ACMG Guidelines, 2015. Collection method: clinical testing. Allele origin: germline.
Comment: The ESCO2 c.307_311del5 variant is predicted to result in a frameshift and premature protein termination (p.Lys103Glufs*2). This variant was reported in the homozygous state in two affected fetuses (siblings) with Roberts syndrome [reported as c.307_311delAAAGA (p.I102fs*1), family 4 in Schule et al. 2005. PubMed ID: 16380922]. This variant has not been reported in a large population database, indicating this variant is rare. A different small deletion (c.308_309delAA) resulting in a similar protein truncation or frameshift variant (p.K103fs*3) was also reported in an individual with Roberts syndrome (Table 1, Gordillo et al. 2008. PubMed ID: 18411254). Frameshift variants in ESCO2 are expected to be pathogenic. This variant is interpreted as pathogenic.

GeneReviews
No classification provided. Condition: Roberts-SC phocomelia syndrome. Review status: no classification provided. Collection method: literature only. Allele origin: unknown. Not counted in ClinVar's aggregate classification.

Literature cited by the submitters: PubMed 16380922 (cited by 3 submitters); PubMed 15821733 (cited by Labcorp Genetics (formerly Invitae), Labcorp); PubMed 18411254 (cited by Labcorp Genetics (formerly Invitae), Labcorp); PubMed 20301332 (cited by GeneReviews); NCBI Bookshelf NBK1153 (cited by GeneReviews).